The following is an entry in ClinVar:

ClinVar aggregate classification (germline): Uncertain significance. Review status: criteria provided, multiple submitters, no conflicts (2 of 4 stars). 2 submissions from 2 submitters: Uncertain significance (2). Last evaluated 2024-10-22.

Allele frequency attached by ClinVar (database versions not stated): gnomAD exomes below 0.00001; TOPMed below 0.00001; ExAC 0.00001; gnomAD 0.00001.
gnomAD v4.1: 3 of 1,614,048 alleles (0.00019%); highest among the groups gnomAD compares: Non-Finnish European, 0.00025%; no homozygotes.

Submissions (2):

Labcorp Genetics (formerly Invitae), Labcorp
Classification: Uncertain significance. Last evaluated: 2024-10-22. Review status: criteria provided, single submitter. Criteria: Invitae Variant Classification Sherloc (09022015). Collection method: clinical testing. Allele origin: germline.
Comment: This sequence change replaces serine, which is neutral and polar, with arginine, which is basic and polar, at codon 197 of the TRPM1 protein (p.Ser197Arg). This variant is present in population databases (rs774914605, gnomAD 0.0009%). This variant has not been reported in the literature in individuals affected with TRPM1-related conditions. ClinVar contains an entry for this variant (Variation ID: 1351386). Invitae Evidence Modeling of protein sequence and biophysical properties (such as structural, functional, and spatial information, amino acid conservation, physicochemical variation, residue mobility, and thermodynamic stability) has been performed for this missense variant. However, the output from this modeling did not meet the statistical confidence thresholds required to predict the impact of this variant on TRPM1 protein function. In summary, the available evidence is currently insufficient to determine the role of this variant in disease. Therefore, it has been classified as a Variant of Uncertain Significance.

Blueprint Genetics
Classification: Uncertain significance. Last evaluated: 2019-09-23. Review status: criteria provided, single submitter. Criteria: ACMG Guidelines, 2015. Collection method: clinical testing. Allele origin: germline.

NM_001252024.2(TRPM1):c.655A>C (p.Ser219Arg)

Gene: TRPM1 (transient receptor potential cation channel subfamily M member 1; minus strand). Cytogenetic location: 15q13.3.
Variant type: single nucleotide variant.
Coding change: c.655A>C on transcript NM_001252024.2 (MANE Select); coding-DNA position 655, A replaced by C.
Protein change: p.Ser219Arg; replaces serine 219 with arginine.
Molecular consequence: missense variant.
Genome position (GRCh38, 1-based): chr15:31,066,211, T>G on the plus strand (A>C on the coding strand, the complement: TRPM1 is on the minus strand). VCF-style: chr15-31066211-T-G. GRCh37 (hg19) VCF-style: chr15-31358414-T-G.
Other names: c.706A>C, p.Ser236Arg (NM_001252020.2); c.589A>C, p.Ser197Arg (NM_002420.6); short protein forms S219R, S236R, S197R.
Identifiers: ClinVar variation 1351386 (VCV001351386.7), dbSNP rs774914605, ClinGen allele CA7452871.